The following is an entry in ClinVar:

NM_004064.5(CDKN1B):c.421C>T (p.Gln141Ter)

Gene: CDKN1B (cyclin dependent kinase inhibitor 1B; plus strand). Cytogenetic location: 12p13.1.
Variant type: single nucleotide variant.
Coding change: c.421C>T on transcript NM_004064.5 (MANE Select); coding-DNA position 421, C replaced by T.
Protein change: p.Gln141Ter; replaces glutamine 141 with a stop codon.
Molecular consequence: nonsense.
Genome position (GRCh38, 1-based): chr12:12,718,260, C>T. VCF-style: chr12-12718260-C-T. GRCh37 (hg19) VCF-style: chr12-12871194-C-T.
Other names: short protein forms Q141*.
Identifiers: ClinVar variation 1439402 (VCV001439402.9), dbSNP rs1946498768, ClinGen allele CA383970705.

ClinVar aggregate classification (germline): Pathogenic. Review status: criteria provided, multiple submitters, no conflicts (2 of 4 stars). 2 submissions from 2 submitters: Pathogenic (2). Last evaluated 2024-05-23.

Conditions:
Hereditary cancer-predisposing syndrome. Also called: Neoplastic Syndromes, Hereditary; Hereditary Cancer Syndrome; Tumor predisposition; Hereditary neoplastic syndrome. Identifiers: Orphanet 140162, MedGen C0027672, MeSH D009386, MONDO:0015356.
Multiple endocrine neoplasia type 4. Also called: MULTIPLE ENDOCRINE NEOPLASIA, TYPE IV. Identifiers: Orphanet 276152, MedGen C1970712, MONDO:0012552, OMIM 610755.

Submissions (2):

Ambry Genetics
Classification: Pathogenic for Hereditary cancer-predisposing syndrome. Last evaluated: 2024-05-23. Review status: criteria provided, single submitter. Criteria: Ambry Variant Classification Scheme 2023. Collection method: clinical testing. Allele origin: germline.
Comment: The p.Q141* pathogenic mutation (also known as c.421C>T), located in coding exon 1 of the CDKN1B gene, results from a C to T substitution at nucleotide position 421. This changes the amino acid from a glutamine to a stop codon within coding exon 1. This variant is considered to be rare based on population cohorts in the Genome Aggregation Database (gnomAD). This alteration is expected to result in loss of function by premature protein truncation or nonsense-mediated mRNA decay. As such, this alteration is interpreted as a disease-causing mutation.

Labcorp Genetics (formerly Invitae), Labcorp
Classification: Pathogenic for Multiple endocrine neoplasia type 4. Last evaluated: 2021-03-12. Review status: criteria provided, single submitter. Criteria: Invitae Variant Classification Sherloc (09022015). Collection method: clinical testing. Allele origin: germline.
Comment: For these reasons, this variant has been classified as Pathogenic. This sequence change creates a premature translational stop signal (p.Gln141*) in the CDKN1B gene. It is expected to result in an absent or disrupted protein product. Loss-of-function variants in CDKN1B are known to be pathogenic (PMID: 17030811, 24819502). This variant is not present in population databases (ExAC no frequency). This variant has not been reported in the literature in individuals with CDKN1B-related conditions.

Literature cited by the submitters: PubMed 17030811 (cited by Labcorp Genetics (formerly Invitae), Labcorp); PubMed 24819502 (cited by Labcorp Genetics (formerly Invitae), Labcorp).